The following is an entry in ClinVar:

NM_006648.4(WNK2):c.110G>T (p.Gly37Val)

Gene: WNK2 (WNK lysine deficient protein kinase 2; plus strand). Cytogenetic location: 9q22.31.
Variant type: single nucleotide variant.
Coding change: c.110G>T on transcript NM_006648.4 (MANE Select); coding-DNA position 110, G replaced by T.
Protein change: p.Gly37Val; replaces glycine 37 with valine.
Molecular consequence: missense variant.
Genome position (GRCh38, 1-based): chr9:93,185,039, G>T. VCF-style: chr9-93185039-G-T. GRCh37 (hg19) VCF-style: chr9-95947321-G-T.
Other names: c.110G>T, p.Gly37Val (NM_001282394.3); short protein forms G37V.
Identifiers: ClinVar variation 4844910 (VCV004844910.1).
Genomic context (GRCh38, chr9:93,185,039, plus strand): 5'-CCGGGCGCGGCGCGGGGCCCGCGGGCATGGCGGAGCCTCGGGCGAAGGCGGCGCGGCCGG[G>T]GCCCCAGCGCTTTCTGCGGCGCAGCGTGGTAGAGTCGGACCAGGAGGAGCCGCCGGGCTT-3'
Protein context (NP_006639.3, residues 27-47): AEPRAKAARP[Gly37Val]PQRFLRRSVV

ClinVar aggregate classification (germline): Uncertain significance (1 of 4 stars; one submission).

gnomAD v4.1: 1 of 1,276,940 alleles (0.000078%); highest among the groups gnomAD compares: Non-Finnish European, 0.000099%; no homozygotes.

Submission:

Ambry Genetics
Classification: Uncertain significance. Last evaluated: 2026-02-18. Review status: criteria provided, single submitter. Criteria: Ambry Variant Classification Scheme 2023. Collection method: clinical testing. Allele origin: germline.
Comment: The p.G37V variant (also known as c.110G>T), located in coding exon 1 of the WNK2 gene, results from a G to T substitution at nucleotide position 110. The glycine at codon 37 is replaced by valine, an amino acid with dissimilar properties. This amino acid position is conserved. In addition, this alteration is predicted to be tolerated by in silico analysis. Based on the available evidence, the clinical significance of this variant remains unclear.